The following is an entry in ClinVar:

NM_025074.7(FRAS1):c.8353del (p.Val2785fs)

Gene: FRAS1 (Fraser extracellular matrix complex subunit 1; plus strand). Cytogenetic location: 4q21.21.
Variant type: Deletion.
Coding change: c.8353del on transcript NM_025074.7 (MANE Select); coding-DNA position 8353, one base deleted (G; older notation c.8353delG).
Protein change: p.Val2785fs; shifts the reading frame from valine 2785.
Molecular consequence: frameshift variant.
Genome position (GRCh38, 1-based): chr4:78,479,628, G deleted; the last of 3 consecutive G bases (chr4:78,479,626-78,479,628); deleting any one gives the same sequence. VCF-style (leftmost placement, unchanged base first): chr4-78479625-AG-A. GRCh37 (hg19) VCF-style: chr4-79400779-AG-A.
Other names: short protein forms V2785fs.
Identifiers: ClinVar variation 2574239 (VCV002574239.4), dbSNP rs774872512, ClinGen allele CA2978336.

ClinVar aggregate classification (germline): Pathogenic/Likely pathogenic. Review status: criteria provided, multiple submitters, no conflicts (2 of 4 stars). 2 submissions from 2 submitters: Pathogenic (1); Likely pathogenic (1). Last evaluated 2024-01-31.

Submissions (2):

Labcorp Genetics (formerly Invitae), Labcorp
Classification: Pathogenic. Last evaluated: 2024-01-31. Review status: criteria provided, single submitter. Criteria: Invitae Variant Classification Sherloc (09022015). Collection method: clinical testing. Allele origin: germline.
Comment: This sequence change creates a premature translational stop signal (p.Val2785Trpfs*33) in the FRAS1 gene. It is expected to result in an absent or disrupted protein product. Loss-of-function variants in FRAS1 are known to be pathogenic (PMID: 12766769, 18671281). This variant is present in population databases (rs774872512, gnomAD 0.0009%). This variant has not been reported in the literature in individuals affected with FRAS1-related conditions. ClinVar contains an entry for this variant (Variation ID: 2574239). For these reasons, this variant has been classified as Pathogenic.

GeneDx
Classification: Likely pathogenic. Last evaluated: 2023-07-30. Review status: criteria provided, single submitter. Criteria: GeneDx Variant Classification Process June 2021. Collection method: clinical testing. Allele origin: germline. Affected: yes.
Comment: Frameshift variant predicted to result in protein truncation or nonsense mediated decay in a gene for which loss-of-function is a known mechanism of disease; Not observed at significant frequency in large population cohorts (gnomAD); Has not been previously published as pathogenic or benign in an affected individual to our knowledge; This variant is associated with the following publications: (PMID: 21228398)

Literature cited by the submitters: PubMed 12766769 (cited by Labcorp Genetics (formerly Invitae), Labcorp); PubMed 18671281 (cited by Labcorp Genetics (formerly Invitae), Labcorp).